The following is an entry in ClinVar:

ClinVar aggregate classification (germline): Uncertain significance. Review status: criteria provided, multiple submitters, no conflicts (2 of 4 stars). 2 submissions from 2 submitters: Uncertain significance (2). Last evaluated 2025-11-26.

Conditions:
Inborn genetic diseases. Identifiers: MedGen C0950123, MeSH D030342.
Deafness-lymphedema-leukemia syndrome. Also called: Emberger syndrome; Lymphedema, primary, with myelodysplasia. Identifiers: Orphanet 3226, MedGen C3279664, MONDO:0013540, OMIM 614038.
Monocytopenia with susceptibility to infections. Also called: IMMUNODEFICIENCY 21; GATA2 DEFICIENCY; MONOCYTOPENIA AND MYCOBACTERIAL INFECTION SYNDROME; MONOCYTOPENIA WITH SUSCEPTIBILITY TO MYCOBACTERIAL, FUNGAL, AND PAPILLOMAVIRUS INFECTIONS AND MYELODYSPLASIA; COMBINED IMMUNODEFICIENCY WITH SUSCEPTIBILITY TO MYCOBACTERIAL, VIRAL, AND FUNGAL INFECTIONS; Dendritic cell, monocyte, B lymphocyte, and natural killer lymphocyte deficiency. Identifiers: Orphanet 228423, MedGen C3280030, MONDO:0013607, OMIM 614172.

Allele frequency attached by ClinVar (database versions not stated): gnomAD exomes 0.00001; ExAC 0.00004.
gnomAD v4.1: 4 of 1,613,680 alleles (0.00025%); highest among the groups gnomAD compares: Non-Finnish European, 0.00034%; no homozygotes.

Submissions (2):

Ambry Genetics
Classification: Uncertain significance for Inborn genetic diseases. Last evaluated: 2025-11-26. Review status: criteria provided, single submitter. Criteria: Ambry Variant Classification Scheme 2023. Collection method: clinical testing. Allele origin: germline.

Labcorp Genetics (formerly Invitae), Labcorp
Classification: Uncertain significance for Monocytopenia with susceptibility to infections; Deafness-lymphedema-leukemia syndrome. Last evaluated: 2023-05-10. Review status: criteria provided, single submitter. Criteria: Invitae Variant Classification Sherloc (09022015). Collection method: clinical testing. Allele origin: germline.
Comment: This variant is present in population databases (rs777283796, gnomAD 0.003%). This variant has not been reported in the literature in individuals affected with GATA2-related conditions. ClinVar contains an entry for this variant (Variation ID: 1041531). Advanced modeling of protein sequence and biophysical properties (such as structural, functional, and spatial information, amino acid conservation, physicochemical variation, residue mobility, and thermodynamic stability) has been performed at Invitae for this missense variant, however the output from this modeling did not meet the statistical confidence thresholds required to predict the impact of this variant on GATA2 protein function. In summary, the available evidence is currently insufficient to determine the role of this variant in disease. Therefore, it has been classified as a Variant of Uncertain Significance. This sequence change replaces serine, which is neutral and polar, with cysteine, which is neutral and slightly polar, at codon 166 of the GATA2 protein (p.Ser166Cys).

NM_032638.5(GATA2):c.497C>G (p.Ser166Cys)

Gene: GATA2 (GATA binding protein 2; minus strand). Cytogenetic location: 3q21.3.
Variant type: single nucleotide variant.
Coding change: c.497C>G on transcript NM_032638.5 (MANE Select); coding-DNA position 497, C replaced by G.
Protein change: p.Ser166Cys; replaces serine 166 with cysteine.
Molecular consequence: missense variant.
Genome position (GRCh38, 1-based): chr3:128,486,101, G>C on the plus strand (C>G on the coding strand, the complement: GATA2 is on the minus strand). VCF-style: chr3-128486101-G-C. GRCh37 (hg19) VCF-style: chr3-128204944-G-C.
Other names: c.497C>G, p.Ser166Cys (NM_001145661.2, NM_001145662.1); c.497C>G (NM_032638.4); short protein forms S166C.
Identifiers: ClinVar variation 1041531 (VCV001041531.10), dbSNP rs777283796, ClinGen allele CA2600018.